The following is an entry in ClinVar:

NM_001349253.2(SCN11A):c.3438C>T (p.Phe1146=)

Gene: SCN11A (sodium voltage-gated channel alpha subunit 11; minus strand). Cytogenetic location: 3p22.2.
Variant type: single nucleotide variant.
Coding change: c.3438C>T on transcript NM_001349253.2 (MANE Select); coding-DNA position 3438, C replaced by T.
Protein change: p.Phe1146=; no amino-acid change (phenylalanine 1146 retained).
Molecular consequence: synonymous variant.
Genome position (GRCh38, 1-based): chr3:38,872,250, G>A on the plus strand (C>T on the coding strand, the complement: SCN11A is on the minus strand). VCF-style: chr3-38872250-G-A. GRCh37 (hg19) VCF-style: chr3-38913741-G-A.
Other names: c.3438C>T, p.Phe1146= (NM_014139.3).
Identifiers: ClinVar variation 3351514 (VCV003351514.1).
Genomic context (GRCh38, chr3:38,872,250, plus strand): 5'-TACCTTCATTCCTTCAAACTGGGACAGCGCACGAAGAGGCCTCAGTGCTCGTAGAGTCCG[G>A]AAGGACTTCAATTCCATTAAGTTAATGAGGGTGGTCACAGAGACCTGATGGGAAGAGAGG-3'
Protein context (NP_001336182.1, residues 1136-1156): TLINLMELKS[Phe1146=]RTLRALRPLR

ClinVar aggregate classification (germline): Likely benign (0 of 4 stars; one submission).

Conditions:
SCN11A-related disorder. Also called: SCN11A-related condition.

gnomAD v4.1: 13 of 1,610,294 alleles (0.00081%); highest among the groups gnomAD compares: Middle Eastern, 0.016%; no homozygotes.

Submission:

PreventionGenetics, part of Exact Sciences
Classification: Likely benign for SCN11A-related condition. Last evaluated: 2024-08-04. Review status: no assertion criteria provided. Collection method: clinical testing. Allele origin: germline.
Comment: This variant is classified as likely benign based on ACMG/AMP sequence variant interpretation guidelines (Richards et al. 2015 PMID: 25741868, with internal and published modifications).